The following is an entry in ClinVar:

NM_003392.7(WNT5A):c.916C>G (p.Pro306Ala)

Gene: WNT5A (Wnt family member 5A; minus strand). Cytogenetic location: 3p14.3.
Variant type: single nucleotide variant.
Coding change: c.916C>G on transcript NM_003392.7 (MANE Select); coding-DNA position 916, C replaced by G.
Protein change: p.Pro306Ala; replaces proline 306 with alanine.
Molecular consequence: missense variant.
Genome position (GRCh38, 1-based): chr3:55,470,319, G>C on the plus strand (C>G on the coding strand, the complement: WNT5A is on the minus strand). VCF-style: chr3-55470319-G-C. GRCh37 (hg19) VCF-style: chr3-55504347-G-C.
Other names: c.871C>G, p.Pro291Ala (NM_001256105.1, NM_001377271.1, NM_001377272.1); short protein forms P291A, P306A.
Identifiers: ClinVar variation 2754685 (VCV002754685.3), dbSNP rs2471255530, ClinGen allele CA353272136.

ClinVar aggregate classification (germline): Uncertain significance (1 of 4 stars; one submission).

Submission:

Labcorp Genetics (formerly Invitae), Labcorp
Classification: Uncertain significance. Last evaluated: 2023-08-23. Review status: criteria provided, single submitter. Criteria: Invitae Variant Classification Sherloc (09022015). Collection method: clinical testing. Allele origin: germline.
Comment: Advanced modeling of protein sequence and biophysical properties (such as structural, functional, and spatial information, amino acid conservation, physicochemical variation, residue mobility, and thermodynamic stability) performed at Invitae indicates that this missense variant is expected to disrupt WNT5A protein function. In summary, the available evidence is currently insufficient to determine the role of this variant in disease. Therefore, it has been classified as a Variant of Uncertain Significance. This variant has not been reported in the literature in individuals affected with WNT5A-related conditions. This variant is not present in population databases (gnomAD no frequency). This sequence change replaces proline, which is neutral and non-polar, with alanine, which is neutral and non-polar, at codon 306 of the WNT5A protein (p.Pro306Ala).